The following is an entry in ClinVar:

NM_001349338.3(FOXP1):c.122C>T (p.Thr41Met)

Gene: FOXP1 (forkhead box P1; minus strand). Cytogenetic location: 3p13.
Variant type: single nucleotide variant.
Coding change: c.122C>T on transcript NM_001349338.3 (MANE Select); coding-DNA position 122, C replaced by T.
Protein change: p.Thr41Met; replaces threonine 41 with methionine.
Molecular consequence: missense variant. On other transcripts: non-coding transcript variant (2).
Genome position (GRCh38, 1-based): chr3:71,198,260, G>A on the plus strand (C>T on the coding strand, the complement: FOXP1 is on the minus strand). VCF-style: chr3-71198260-G-A. GRCh37 (hg19) VCF-style: chr3-71247411-G-A.
Other names: c.122C>T, p.Thr41Met (NM_001012505.2, NM_001244808.3, NM_001244810.2 and 7 more transcripts); short protein forms T41M.
Identifiers: ClinVar variation 1755213 (VCV001755213.8), dbSNP rs756099573, ClinGen allele CA2491455.

ClinVar aggregate classification (germline): Conflicting classifications of pathogenicity. Review status: criteria provided, conflicting classifications (1 of 4 stars). 3 submissions from 3 submitters: Uncertain significance (1); Likely benign (2). Last evaluated 2026-09-01.

Conditions:
Inborn genetic diseases. Identifiers: MedGen C0950123, MeSH D030342.

Allele frequency attached by ClinVar (database versions not stated): gnomAD 0.00001; TOPMed 0.00001; ExAC 0.00002.
gnomAD v4.1: 28 of 1,614,146 alleles (0.0017%); highest among the groups gnomAD compares: South Asian, 0.0066%; no homozygotes.

Submissions (3):

CeGaT Center for Human Genetics Tuebingen
Classification: Likely benign. Last evaluated: 2026-09-01. Review status: criteria provided, single submitter. Criteria: CeGaT Center For Human Genetics Tuebingen Variant Classification Criteria Version 2. Collection method: clinical testing. Allele origin: germline. Affected: yes. Observed: 1 variant allele.
Comment: FOXP1: PP3, BS1

Labcorp Genetics (formerly Invitae), Labcorp
Classification: Uncertain significance. Last evaluated: 2023-10-17. Review status: criteria provided, single submitter. Criteria: Invitae Variant Classification Sherloc (09022015). Collection method: clinical testing. Allele origin: germline.
Comment: This sequence change replaces threonine, which is neutral and polar, with methionine, which is neutral and non-polar, at codon 41 of the FOXP1 protein (p.Thr41Met). This variant is present in population databases (rs756099573, gnomAD 0.01%). This variant has not been reported in the literature in individuals affected with FOXP1-related conditions. ClinVar contains an entry for this variant (Variation ID: 1755213). Advanced modeling of protein sequence and biophysical properties (such as structural, functional, and spatial information, amino acid conservation, physicochemical variation, residue mobility, and thermodynamic stability) performed at Invitae indicates that this missense variant is not expected to disrupt FOXP1 protein function. In summary, the available evidence is currently insufficient to determine the role of this variant in disease. Therefore, it has been classified as a Variant of Uncertain Significance.

Ambry Genetics
Classification: Likely benign for Inborn genetic diseases. Last evaluated: 2019-06-21. Review status: criteria provided, single submitter. Criteria: Ambry Variant Classification Scheme 2023. Collection method: clinical testing. Allele origin: germline.